The following is an entry in ClinVar:

ClinVar aggregate classification (germline): Conflicting classifications of pathogenicity. Review status: criteria provided, conflicting classifications (1 of 4 stars). 2 submissions from 2 submitters: Uncertain significance (1); Likely benign (1). Last evaluated 2024-10-23.

Allele frequency attached by ClinVar (database versions not stated): ExAC 0.00001; gnomAD 0.00004; TOPMed 0.00005.

Submissions (2):

Labcorp Genetics (formerly Invitae), Labcorp
Classification: Likely benign. Last evaluated: 2024-10-23. Review status: criteria provided, single submitter. Criteria: Invitae Variant Classification Sherloc (09022015). Collection method: clinical testing. Allele origin: germline.

Laboratory for Molecular Medicine, Mass General Brigham Personalized Medicine
Classification: Uncertain significance. Last evaluated: 2012-08-29. Review status: criteria provided, single submitter. Criteria: LMM Criteria. Collection method: clinical testing. Allele origin: germline. Observed: 1 variant allele.
Comment: The Arg285His variant in GPR98 has not been reported in the literature nor previ ously identified by our laboratory. Computational analyses (biochemical amino ac id properties, conservation, AlignGVGD, PolyPhen2, and SIFT) do not provide stro ng support for or against an impact to the protein. In summary, additional data is needed to determine the clinical significance of this variant.

NM_032119.4(ADGRV1):c.854G>A (p.Arg285His)

Gene: ADGRV1 (adhesion G protein-coupled receptor V1; plus strand). Cytogenetic location: 5q14.3.
Variant type: single nucleotide variant.
Coding change: c.854G>A on transcript NM_032119.4 (MANE Select); coding-DNA position 854, G replaced by A.
Protein change: p.Arg285His; replaces arginine 285 with histidine.
Molecular consequence: missense variant. On other transcripts: non-coding transcript variant (1).
Genome position (GRCh38, 1-based): chr5:90,627,392, G>A. VCF-style: chr5-90627392-G-A. GRCh37 (hg19) VCF-style: chr5-89923209-G-A.
Other names: short protein forms R285H.
Identifiers: ClinVar variation 46391 (VCV000046391.9), dbSNP rs397517439, ClinGen allele CA138246.